The following is an entry in ClinVar:

NM_001040108.2(MLH3):c.825A>G (p.Glu275=)

Gene: MLH3 (mutL homolog 3; minus strand). Cytogenetic location: 14q24.3.
Variant type: single nucleotide variant.
Coding change: c.825A>G on transcript NM_001040108.2 (MANE Select); coding-DNA position 825, A replaced by G.
Protein change: p.Glu275=; no amino-acid change (glutamic acid 275 retained).
Molecular consequence: synonymous variant.
Genome position (GRCh38, 1-based): chr14:75,048,831, T>C on the plus strand (A>G on the coding strand, the complement: MLH3 is on the minus strand). VCF-style: chr14-75048831-T-C. GRCh37 (hg19) VCF-style: chr14-75515534-T-C.
Other names: c.825A>G, p.Glu275= (NM_014381.3).
Identifiers: ClinVar variation 1086057 (VCV001086057.12), dbSNP rs1040135404, ClinGen allele CA487274262.
Genomic context (GRCh38, chr14:75,048,831, plus strand): 5'-CCGAAGACTTGAATTCATTTGCCTACTGGTGGGACCATTCTTTGGCTTGCATATAATACT[T>C]TCTTTCCTTAATAAAAAGTCAATGAGTTTATGTAGCTTTGTCCTTAAAACTAGTCTTTTG-3'
Protein context (NP_001035197.1, residues 265-285): HKLIDFLLRK[Glu275=]SIICKPKNGP

ClinVar aggregate classification (germline): Benign/Likely benign. Review status: criteria provided, multiple submitters, no conflicts (2 of 4 stars). 3 submissions from 3 submitters: Benign (1); Likely benign (2). Last evaluated 2026-04-29.

Conditions:
Colorectal cancer, hereditary nonpolyposis, type 7. Identifiers: Orphanet 144, MedGen C1858380, MONDO:0013725, OMIM 614385.

gnomAD v4.1: 1 of 1,614,040 alleles (0.000062%); highest among the groups gnomAD compares: Admixed American, 0.0017%; no homozygotes.

Submissions (3):

Myriad Genetics, Inc.
Classification: Benign for Colorectal cancer, hereditary nonpolyposis, type 7. Last evaluated: 2026-04-29. Review status: criteria provided, single submitter. Criteria: Myriad Autosomal Dominant, Autosomal Recessive and X-Linked Classification Criteria (2023). Collection method: clinical testing. Allele origin: unknown.
Comment: This variant is considered benign. This variant is a silent/synonymous amino acid change and it is not expected to impact splicing.

Labcorp Genetics (formerly Invitae), Labcorp
Classification: Likely benign for Colorectal cancer, hereditary nonpolyposis, type 7. Last evaluated: 2022-06-14. Review status: criteria provided, single submitter. Criteria: Invitae Variant Classification Sherloc (09022015). Collection method: clinical testing. Allele origin: germline.

Ambry Genetics
Classification: Likely benign. Last evaluated: 2022-02-12. Review status: criteria provided, single submitter. Criteria: Ambry Variant Classification Scheme 2023. Collection method: clinical testing. Allele origin: germline.